The following is an entry in ClinVar:

NM_144999.4(LRRC45):c.1402-2A>G

Gene: LRRC45 (leucine rich repeat containing 45; plus strand). Cytogenetic location: 17q25.3.
Variant type: single nucleotide variant.
Coding change: c.1402-2A>G on transcript NM_144999.4 (MANE Select); the canonical splice acceptor site of the intron before coding-DNA position 1402, A replaced by G.
Molecular consequence: splice acceptor variant.
Genome position (GRCh38, 1-based): chr17:82,029,541, A>G. VCF-style: chr17-82029541-A-G. GRCh37 (hg19) VCF-style: chr17-79987417-A-G.
Identifiers: ClinVar variation 3393451 (VCV003393451.3).
Genomic context (GRCh38, chr17:82,029,541, plus strand): 5'-AGAGAGAGAAGGGCCCTGGGCCAGGGACAGGAGAACGGGCTGGCAGGTGGCCATCTGTGC[A>G]GGAGCTGAGCCGAGTGAAAGCAGCGGCACTCAGCGAGCGTGGCCAGGCTGAGGAGGAGCT-3'

ClinVar aggregate classification (germline): Conflicting classifications of pathogenicity. Review status: criteria provided, conflicting classifications (1 of 4 stars). 2 submissions from 2 submitters: Pathogenic (1); Uncertain significance (1). Last evaluated 2024-07-11.

Conditions:
LRRC45 associated neurological ciliopathy.

gnomAD v4.1: 16 of 1,565,590 alleles (0.001%); highest among the groups gnomAD compares: South Asian, 0.016%; no homozygotes.

Submissions (2):

Blueprint Genetics
Classification: Uncertain significance. Last evaluated: 2024-07-11. Review status: criteria provided, single submitter. Criteria: ACMG Guidelines, 2015. Collection method: clinical testing. Allele origin: germline.

Kasturba Medical College, Manipal, Kasturba Medical College, Manipal, Manipal Academy of Higher Education, Manipal, India
Classification: Pathogenic for LRRC45 associated neurological ciliopathy. Review status: criteria provided, single submitter. Criteria: ACMG Guidelines, 2015. Collection method: research. Allele origin: germline. Inheritance: Autosomal recessive inheritance. Affected: yes. Observed: 1 homozygote.
Comment: This variant is present in 16 individuals in heterozygous state and absent in homozygous state in the gnomAD (v4.1.0) population database. This variant is absent in our in-house database of 3408 exomes. To date, biallelic variants in the LRRC45 have been reported in six individuals from four unrelated families (Best et al., 2022; Periyasamy et al., 2024). Best et al. (2022) described two individuals with mild neurodevelopmental delay and intellectual disability, whereas Periyasamy et al. (2024) described three individuals including the current proband with severe central nervous system anomalies.

Literature cited by the submitters: PubMed 39638757 (cited by Kasturba Medical College, Manipal, Kasturba Medical College, Manipal, Manipal Academy of Higher Education, Manipal, India); PubMed 34716235 (cited by Kasturba Medical College, Manipal, Kasturba Medical College, Manipal, Manipal Academy of Higher Education, Manipal, India).